The following is an entry in ClinVar:

NM_000199.5(SGSH):c.56G>C (p.Arg19Pro)

Gene: SGSH (N-sulfoglucosamine sulfohydrolase; minus strand). Cytogenetic location: 17q25.3.
Variant type: single nucleotide variant.
Coding change: c.56G>C on transcript NM_000199.5 (MANE Select); coding-DNA position 56, G replaced by C.
Protein change: p.Arg19Pro; replaces arginine 19 with proline.
Molecular consequence: missense variant. On other transcripts: non-coding transcript variant (1).
Genome position (GRCh38, 1-based): chr17:80,220,258, C>G on the plus strand (G>C on the coding strand, the complement: SGSH is on the minus strand). VCF-style: chr17-80220258-C-G. GRCh37 (hg19) VCF-style: chr17-78194057-C-G.
Other names: c.56G>C, p.Arg19Pro (NM_001352921.3, NM_001352922.2); short protein forms R19P.
Identifiers: ClinVar variation 4800923 (VCV004800923.1).

ClinVar aggregate classification (germline): Uncertain significance (1 of 4 stars; one submission).

Conditions:
Mucopolysaccharidosis, MPS-III-A (MPS3A). Also called: Mucopolysaccharidosis, type IIIA; mucopolysaccharidosis type 3A; MPS IIIA (Sanfilippo Syndrome Type A); HEPARAN SULFATE SULFATASE DEFICIENCY; SANFILIPPO SYNDROME A; SULFAMIDASE DEFICIENCY. Identifiers: Orphanet 581, Orphanet 79269, MedGen C0086647, MONDO:0009655, OMIM 252900.

Submission:

Labcorp Genetics (formerly Invitae), Labcorp
Classification: Uncertain significance for Mucopolysaccharidosis, MPS-III-A. Last evaluated: 2025-10-04. Review status: criteria provided, single submitter. Criteria: Invitae Variant Classification Sherloc (09022015). Collection method: clinical testing. Allele origin: germline.
Comment: This sequence change replaces arginine, which is basic and polar, with proline, which is neutral and non-polar, at codon 19 of the SGSH protein (p.Arg19Pro). This variant is not present in population databases (gnomAD no frequency). This variant has not been reported in the literature in individuals affected with SGSH-related conditions. Invitae Evidence Modeling of protein sequence and biophysical properties (such as structural, functional, and spatial information, amino acid conservation, physicochemical variation, residue mobility, and thermodynamic stability) indicates that this missense variant is not expected to disrupt SGSH protein function with a negative predictive value of 95%. In summary, the available evidence is currently insufficient to determine the role of this variant in disease. Therefore, it has been classified as a Variant of Uncertain Significance.